The following is an entry in ClinVar:

NM_000836.4(GRIN2D):c.3233G>C (p.Gly1078Ala)

Gene: GRIN2D (glutamate ionotropic receptor NMDA type subunit 2D; plus strand). Cytogenetic location: 19q13.33.
Variant type: single nucleotide variant.
Coding change: c.3233G>C on transcript NM_000836.4 (MANE Select); coding-DNA position 3233, G replaced by C.
Protein change: p.Gly1078Ala; replaces glycine 1078 with alanine.
Molecular consequence: missense variant.
Genome position (GRCh38, 1-based): chr19:48,443,159, G>C. VCF-style: chr19-48443159-G-C. GRCh37 (hg19) VCF-style: chr19-48946416-G-C.
Other names: short protein forms G1078A.
Identifiers: ClinVar variation 3017492 (VCV003017492.3), dbSNP rs1177271643, ClinGen allele CA406675158.

ClinVar aggregate classification (germline): Uncertain significance (1 of 4 stars; one submission).

Allele frequency attached by ClinVar (database versions not stated): gnomAD 0.00001; 1000 Genomes Project 30x 0.00031; TOPMed below 0.00001; gnomAD exomes 0.00002.
gnomAD v4.1: 15 of 998,604 alleles (0.0015%); highest among the groups gnomAD compares: Non-Finnish European, 0.0018%; no homozygotes.

Submission:

Labcorp Genetics (formerly Invitae), Labcorp
Classification: Uncertain significance. Last evaluated: 2025-02-23. Review status: criteria provided, single submitter. Criteria: Invitae Variant Classification Sherloc (09022015). Collection method: clinical testing. Allele origin: germline.
Comment: This sequence change replaces glycine, which is neutral and non-polar, with alanine, which is neutral and non-polar, at codon 1078 of the GRIN2D protein (p.Gly1078Ala). The frequency data for this variant in the population databases is considered unreliable, as metrics indicate insufficient coverage at this position in the gnomAD database. This variant has not been reported in the literature in individuals affected with GRIN2D-related conditions. ClinVar contains an entry for this variant (Variation ID: 3017492). Invitae Evidence Modeling of protein sequence and biophysical properties (such as structural, functional, and spatial information, amino acid conservation, physicochemical variation, residue mobility, and thermodynamic stability) indicates that this missense variant is not expected to disrupt GRIN2D protein function with a negative predictive value of 95%. In summary, the available evidence is currently insufficient to determine the role of this variant in disease. Therefore, it has been classified as a Variant of Uncertain Significance.